The following is an entry in ClinVar:

ClinVar aggregate classification (germline): Uncertain significance (1 of 4 stars; one submission).

Conditions:
Hermansky-Pudlak syndrome 2 (HPS2). Also called: Platelet defects and oculocutaneous albinism. Identifiers: Orphanet 183678, Orphanet 79430, MedGen C1842362, MONDO:0011997, OMIM 608233.

Allele frequency attached by ClinVar (database versions not stated): gnomAD 0.00001; gnomAD exomes 0.00001.
gnomAD v4.1: 5 of 1,614,096 alleles (0.00031%); highest among the groups gnomAD compares: Admixed American, 0.0017%; no homozygotes.

Submission:

Labcorp Genetics (formerly Invitae), Labcorp
Classification: Uncertain significance for Hermansky-Pudlak syndrome 2. Last evaluated: 2021-08-30. Review status: criteria provided, single submitter. Criteria: Invitae Variant Classification Sherloc (09022015). Collection method: clinical testing. Allele origin: germline.
Comment: This sequence change replaces glycine with glutamic acid at codon 707 of the AP3B1 protein (p.Gly707Glu). The glycine residue is moderately conserved and there is a moderate physicochemical difference between glycine and glutamic acid. This variant is not present in population databases (ExAC no frequency). This variant has not been reported in the literature in individuals affected with AP3B1-related conditions. Algorithms developed to predict the effect of missense changes on protein structure and function are either unavailable or do not agree on the potential impact of this missense change (SIFT: "Tolerated"; PolyPhen-2: "Probably Damaging"; Align-GVGD: "Class C0"). In summary, the available evidence is currently insufficient to determine the role of this variant in disease. Therefore, it has been classified as a Variant of Uncertain Significance.

NM_003664.5(AP3B1):c.2120G>A (p.Gly707Glu)

Gene: AP3B1 (adaptor related protein complex 3 subunit beta 1; minus strand). Cytogenetic location: 5q14.1.
Variant type: single nucleotide variant.
Coding change: c.2120G>A on transcript NM_003664.5 (MANE Select); coding-DNA position 2120, G replaced by A.
Protein change: p.Gly707Glu; replaces glycine 707 with glutamic acid.
Molecular consequence: missense variant.
Genome position (GRCh38, 1-based): chr5:78,113,881, C>T on the plus strand (G>A on the coding strand, the complement: AP3B1 is on the minus strand). VCF-style: chr5-78113881-C-T. GRCh37 (hg19) VCF-style: chr5-77409705-C-T.
Other names: c.1973G>A, p.Gly658Glu (NM_001271769.2); short protein forms G707E, G658E.
Identifiers: ClinVar variation 857508 (VCV000857508.7), dbSNP rs1244138366, ClinGen allele CA360183908.